The following is an entry in ClinVar:

ClinVar aggregate classification (germline): Uncertain significance (1 of 4 stars; one submission).

Conditions:
Tuberous sclerosis 2 (TSC2). Identifiers: Orphanet 805, MedGen C1860707, MONDO:0013199, OMIM 613254.

Submission:

Labcorp Genetics (formerly Invitae), Labcorp
Classification: Uncertain significance for Tuberous sclerosis 2. Last evaluated: 2021-07-22. Review status: criteria provided, single submitter. Criteria: Invitae Variant Classification Sherloc (09022015). Collection method: clinical testing. Allele origin: germline.
Comment: This variant, c.4139_4165dup, results in the insertion of 9 amino acid(s) to the TSC2 protein (p.Gln1380_Ser1388dup), but otherwise preserves the integrity of the reading frame. This variant is not present in population databases (ExAC no frequency). This variant has not been reported in the literature in individuals affected with TSC2-related conditions. Experimental studies and prediction algorithms are not available or were not evaluated, and the functional significance of this variant is currently unknown. In summary, the available evidence is currently insufficient to determine the role of this variant in disease. Therefore, it has been classified as a Variant of Uncertain Significance.

NM_000548.5(TSC2):c.4139_4165dup (p.Gln1380_Ser1388dup)

Gene: TSC2 (TSC complex subunit 2; plus strand). Cytogenetic location: 16p13.3.
Variant type: Duplication.
Coding change: c.4139_4165dup on transcript NM_000548.5 (MANE Select); coding-DNA positions 4139 to 4165, 27 bases duplicated (AGCCCCTGAGCAAGTCCAGCTCCTCTC).
Protein change: p.Gln1380_Ser1388dup.
Molecular consequence: inframe insertion.
Genome position (GRCh38, 1-based): chr16:2,084,361-2,084,387, AGCCCCTGAGCAAGTCCAGCTCCTCTC duplicated; duplicating any 27 consecutive bases within chr16:2,084,360-2,084,387 gives the same sequence; the c. name uses the placement nearest the transcript's 3' end. VCF-style (leftmost placement, unchanged base first): chr16-2084359-G-GCAGCCCCTGAGCAAGTCCAGCTCCTCT. GRCh37 (hg19) VCF-style: chr16-2134360-G-GCAGCCCCTGAGCAAGTCCAGCTCCTCT.
Other names: c.3938_3964dup, p.Gln1313_Ser1321dup (NM_001077183.3); c.4070_4096dup, p.Gln1357_Ser1365dup (NM_001114382.3); c.3830_3856dup, p.Gln1277_Ser1285dup (NM_001318827.2); c.3794_3820dup, p.Gln1265_Ser1273dup (NM_001318829.2); c.3407_3433dup, p.Gln1136_Ser1144dup (NM_001318831.2); c.3971_3997dup, p.Gln1324_Ser1332dup (NM_001318832.2); c.3941_3967dup, p.Gln1314_Ser1322dup (NM_001363528.2); c.4007_4033dup, p.Gln1336_Ser1344dup (NM_001370404.1); and 1 more.
Identifiers: ClinVar variation 1406846 (VCV001406846.6), dbSNP rs2151524475, ClinGen allele CA2573151613.